The following is an entry in ClinVar:

NM_001378778.1(MPDZ):c.3840+1G>A

Gene: MPDZ (multiple PDZ domain crumbs cell polarity complex component; minus strand). Cytogenetic location: 9p23.
Variant type: single nucleotide variant.
Coding change: c.3840+1G>A on transcript NM_001378778.1 (MANE Select); the canonical splice donor site of the intron after coding-DNA position 3840, G replaced by A.
Molecular consequence: splice donor variant. On other transcripts: intron variant (14).
Genome position (GRCh38, 1-based): chr9:13,143,465, C>T on the plus strand (G>A on the coding strand, the complement: MPDZ is on the minus strand). VCF-style: chr9-13143465-C-T. GRCh37 (hg19) VCF-style: chr9-13143464-C-T.
Other names: c.3631-3316G>A (NM_001375425.1, NM_001375420.1, NM_001375423.1 and 4 more transcripts); c.3742-3316G>A (NM_001375419.1, NM_001375416.1, NM_001375418.1 and 3 more transcripts); c.3840+1G>A (NM_001330637.2, NM_003829.5, NM_001375413.1); c.3433-3316G>A (NM_001375427.1).
Identifiers: ClinVar variation 2794542 (VCV002794542.3), dbSNP rs1448390501, ClinGen allele CA372949811.

ClinVar aggregate classification (germline): Likely pathogenic (1 of 4 stars; one submission).

Allele frequency attached by ClinVar (database versions not stated): gnomAD 0.00001; TOPMed 0.00001.
gnomAD v4.1: 6 of 1,609,778 alleles (0.00037%); highest among the groups gnomAD compares: Middle Eastern, 0.033%; no homozygotes.

Submission:

Labcorp Genetics (formerly Invitae), Labcorp
Classification: Likely pathogenic. Last evaluated: 2023-08-28. Review status: criteria provided, single submitter. Criteria: Invitae Variant Classification Sherloc (09022015). Collection method: clinical testing. Allele origin: germline.
Comment: This sequence change affects a donor splice site in intron 27 of the MPDZ gene. It is expected to disrupt RNA splicing. Variants that disrupt the donor or acceptor splice site typically lead to a loss of protein function (PMID: 16199547), and loss-of-function variants in MPDZ are known to be pathogenic (PMID: 23240096, 28556411). This variant is present in population databases (no rsID available, gnomAD 0.002%). This variant has not been reported in the literature in individuals affected with MPDZ-related conditions. Algorithms developed to predict the effect of sequence changes on RNA splicing suggest that this variant may disrupt the consensus splice site. In summary, the currently available evidence indicates that the variant is pathogenic, but additional data are needed to prove that conclusively. Therefore, this variant has been classified as Likely Pathogenic.

Literature cited by the submitters: PubMed 16199547; PubMed 23240096; PubMed 28556411.